The following is an entry in ClinVar:

NM_000088.4(COL1A1):c.4248G>A (p.Thr1416=)

Gene: COL1A1 (collagen type I alpha 1 chain; minus strand). Cytogenetic location: 17q21.33.
Variant type: single nucleotide variant.
Coding change: c.4248G>A on transcript NM_000088.4 (MANE Select); coding-DNA position 4248, G replaced by A.
Protein change: p.Thr1416=; no amino-acid change (threonine 1416 retained).
Molecular consequence: synonymous variant.
Genome position (GRCh38, 1-based): chr17:50,185,778, C>T on the plus strand (G>A on the coding strand, the complement: COL1A1 is on the minus strand). VCF-style: chr17-50185778-C-T. GRCh37 (hg19) VCF-style: chr17-48263139-C-T.
Identifiers: ClinVar variation 577333 (VCV000577333.10), dbSNP rs746565111, ClinGen allele CA8644219.

ClinVar aggregate classification (germline): Uncertain significance. Review status: criteria provided, multiple submitters, no conflicts (2 of 4 stars). 3 submissions from 3 submitters: Uncertain significance (3). Last evaluated 2025-08-20.

Conditions:
Osteogenesis imperfecta type I (OI1). Also called: Lobstein disease; Osteogenesis imperfecta type 1; OI, TYPE I; OSTEOGENESIS IMPERFECTA TARDA; OSTEOGENESIS IMPERFECTA WITH BLUE SCLERAE; Lobstein's Disease. Identifiers: Orphanet 216796, Orphanet 666, MedGen C0023931, MONDO:0008146, OMIM 166200. Disease mechanism: loss of function.
Cardiovascular phenotype. Identifiers: MedGen CN230736.

Allele frequency attached by ClinVar (database versions not stated): ExAC 0.00001; gnomAD 0.00002 and 0.00003; TOPMed 0.00002.
gnomAD v4.1: 36 of 1,613,422 alleles (0.0022%); highest among the groups gnomAD compares: Admixed American, 0.0033%; 1 homozygote.

Submissions (3):

Labcorp Genetics (formerly Invitae), Labcorp
Classification: Uncertain significance for Osteogenesis imperfecta type I. Last evaluated: 2025-08-20. Review status: criteria provided, single submitter. Criteria: Invitae Variant Classification Sherloc (09022015). Collection method: clinical testing. Allele origin: germline.
Comment: This sequence change affects codon 1416 of the COL1A1 mRNA. It is a 'silent' change, meaning that it does not change the encoded amino acid sequence of the COL1A1 protein. This variant also falls at the last nucleotide of exon 50, which is part of the consensus splice site for this exon. This variant is present in population databases (rs746565111, gnomAD 0.007%). This variant has not been reported in the literature in individuals affected with COL1A1-related conditions. ClinVar contains an entry for this variant (Variation ID: 577333). Variants that disrupt the consensus splice site are a relatively common cause of aberrant splicing (PMID: 17576681, 9536098). Algorithms developed to predict the effect of sequence changes on RNA splicing suggest that this variant is not likely to affect RNA splicing. In summary, the available evidence is currently insufficient to determine the role of this variant in disease. Therefore, it has been classified as a Variant of Uncertain Significance.

ARUP Laboratories, Molecular Genetics and Genomics, ARUP Laboratories
Classification: Uncertain significance. Last evaluated: 2024-03-07. Review status: criteria provided, single submitter. Criteria: ARUP Molecular Germline Variant Investigation Process 2024. Collection method: clinical testing. Allele origin: germline.
Comment: The COL1A1 c.4248G>A; p.Thr1416= variant (rs746565111), to our knowledge, is not reported in the medical literature but is reported in ClinVar (Variation ID: 577333). This variant is found in the general population with an overall allele frequency of 0.002% (4/250352 alleles) in the Genome Aggregation Database (v2.1.1). This is a synonymous variant and computational analyses (Alamut Visual Plus v.1.5.1) predict that this variant does not alter splicing. However, since this variant is located within the minimal splice region, the clinical significance of this variant is uncertain at this time.

Ambry Genetics
Classification: Uncertain significance for Cardiovascular phenotype. Last evaluated: 2024-02-05. Review status: criteria provided, single submitter. Criteria: Ambry Variant Classification Scheme 2023. Collection method: clinical testing. Allele origin: germline.
Comment: The c.4248G>A variant (also known as p.T1416T), located in coding exon 50 of the COL1A1 gene, results from a G to A substitution at nucleotide position 4248. This nucleotide substitution does not change the threonine at codon 1416. However, this change occurs in the last base pair of coding exon 50, which makes it likely to have some effect on normal mRNA splicing. This alteration has been reported in a cohort of subjects with cardiovascular disease or connective tissue feaures (Najafi A et al. Clin Genet, 2020 Feb;97:235-245). This nucleotide position is well conserved in available vertebrate species. In silico splice site analysis predicts that this alteration will not have any significant effect on splicing. Based on the available evidence, the clinical significance of this alteration remains unclear.

Literature cited by the submitters: PubMed 17576681 (cited by Labcorp Genetics (formerly Invitae), Labcorp); PubMed 9536098 (cited by Labcorp Genetics (formerly Invitae), Labcorp); PubMed 31506931 (cited by Ambry Genetics).